The following is an entry in ClinVar:

ClinVar aggregate classification (germline): Uncertain significance (1 of 4 stars; one submission).

Conditions:
Autosomal recessive limb-girdle muscular dystrophy type 2F (LGMDR6). Also called: Muscular dystrophy limb-girdle with delta-sarcoglyan deficiency; MUSCULAR DYSTROPHY, LIMB-GIRDLE, AUTOSOMAL RECESSIVE 6. Identifiers: Orphanet 219, MedGen C1832525, MONDO:0011028, OMIM 601287. Disease mechanism: Affects gamma-sarcoglycan and also disrupts the integrity of the entire sarcoglycan complex..

gnomAD v4.1: 1 of 1,611,892 alleles (0.000062%); no homozygotes.

Submission:

Labcorp Genetics (formerly Invitae), Labcorp
Classification: Uncertain significance for Autosomal recessive limb-girdle muscular dystrophy type 2F. Last evaluated: 2021-12-16. Review status: criteria provided, single submitter. Criteria: Invitae Variant Classification Sherloc (09022015). Collection method: clinical testing. Allele origin: germline.
Comment: This sequence change replaces isoleucine, which is neutral and non-polar, with valine, which is neutral and non-polar, at codon 44 of the SGCD protein (p.Ile44Val). This variant is not present in population databases (gnomAD no frequency). This variant has not been reported in the literature in individuals affected with SGCD-related conditions. Algorithms developed to predict the effect of missense changes on protein structure and function (SIFT, PolyPhen-2, Align-GVGD) all suggest that this variant is likely to be tolerated. In summary, the available evidence is currently insufficient to determine the role of this variant in disease. Therefore, it has been classified as a Variant of Uncertain Significance.

NM_000337.6(SGCD):c.130A>G (p.Ile44Val)

Gene: SGCD (sarcoglycan delta; plus strand). Cytogenetic location: 5q33.3.
Variant type: single nucleotide variant.
Coding change: c.130A>G on transcript NM_000337.6 (MANE Select); coding-DNA position 130, A replaced by G.
Protein change: p.Ile44Val; replaces isoleucine 44 with valine.
Molecular consequence: missense variant.
Genome position (GRCh38, 1-based): chr5:156,344,615, A>G. VCF-style: chr5-156344615-A-G. GRCh37 (hg19) VCF-style: chr5-155771625-A-G.
Other names: c.127A>G, p.Ile43Val (NM_001128209.2); c.130A>G, p.Ile44Val (NM_172244.3); short protein forms I43V, I44V.
Identifiers: ClinVar variation 2038662 (VCV002038662.4), dbSNP rs1768851759, ClinGen allele CA362007752.